The following is an entry in ClinVar:

NM_177438.3(DICER1):c.3024G>C (p.Lys1008Asn)

Gene: DICER1 (dicer 1, ribonuclease III; minus strand). Cytogenetic location: 14q32.13.
Variant type: single nucleotide variant.
Coding change: c.3024G>C on transcript NM_177438.3 (MANE Select); coding-DNA position 3024, G replaced by C.
Protein change: p.Lys1008Asn; replaces lysine 1008 with asparagine.
Molecular consequence: missense variant. On other transcripts: non-coding transcript variant (6).
Genome position (GRCh38, 1-based): chr14:95,105,747, C>G on the plus strand (G>C on the coding strand, the complement: DICER1 is on the minus strand). VCF-style: chr14-95105747-C-G. GRCh37 (hg19) VCF-style: chr14-95572084-C-G.
Other names: c.2742G>C, p.Lys914Asn (NM_001395686.1); c.2619G>C, p.Lys873Asn (NM_001395687.1, NM_001395688.1, NM_001395689.1 and 2 more transcripts); c.2457G>C, p.Lys819Asn (NM_001395691.1); c.3024G>C, p.Lys1008Asn (NM_001395692.1, NM_001395693.1, NM_001395694.1 and 12 more transcripts); c.1341G>C, p.Lys447Asn (NM_001395697.1); short protein forms K447N, K914N, K1008N, K819N, K873N.
Identifiers: ClinVar variation 5035290 (VCV005035290.1).

ClinVar aggregate classification (germline): Uncertain significance (1 of 4 stars; one submission).

Conditions:
Hereditary cancer-predisposing syndrome. Also called: Hereditary Cancer Syndrome; Neoplastic Syndromes, Hereditary; Tumor predisposition; Hereditary neoplastic syndrome. Identifiers: Orphanet 140162, MedGen C0027672, MeSH D009386, MONDO:0015356.

Submission:

Ambry Genetics
Classification: Uncertain significance for Hereditary cancer-predisposing syndrome. Last evaluated: 2026-07-13. Review status: criteria provided, single submitter. Criteria: Ambry Variant Classification Scheme 2023. Collection method: clinical testing. Allele origin: germline.
Comment: The p.K1008N variant (also known as c.3024G>C), located in coding exon 18 of the DICER1 gene, results from a G to C substitution at nucleotide position 3024. The lysine at codon 1008 is replaced by asparagine, an amino acid with similar properties. This amino acid position is conserved. In addition, this alteration is predicted to be tolerated by in silico analysis. Based on the available evidence, the clinical significance of this variant remains unclear.